The following is an entry in ClinVar:

ClinVar aggregate classification (germline): Conflicting classifications of pathogenicity. Review status: criteria provided, conflicting classifications (1 of 4 stars). 9 submissions from 8 submitters: Uncertain significance (2); Benign (2); Likely benign (4). 1 of the submissions does not count toward it. Last evaluated 2026-01-18.

Conditions:
Hereditary leiomyomatosis and renal cell cancer. Also called: FH tumor predisposition syndrome; MULTIPLE CUTANEOUS AND UTERINE LEIOMYOMATA 1, WITH OR WITHOUT RENAL CELL CARCINOMA; LEIOMYOMA, MULTIPLE CUTANEOUS; Multiple cutaneous leiomyomas; Reed syndrome; Multiple cutaneous and uterine leiomyomatosis. Identifiers: Orphanet 523, MedGen C1708350, MONDO:0007888, OMIM 150800, HP:0007437. Disease mechanism: loss of function.
Fumarase deficiency (FMRD). Also called: Fumaric aciduria; Fumarate Hydratase Deficiency. Identifiers: Orphanet 24, MedGen C0342770, MONDO:0011730, OMIM 606812.
FH-related disorder. Also called: FH-related disorders; FH-related condition.
Hereditary cancer-predisposing syndrome. Also called: Hereditary Cancer Syndrome; Neoplastic Syndromes, Hereditary; Tumor predisposition; Hereditary neoplastic syndrome. Identifiers: Orphanet 140162, MedGen C0027672, MeSH D009386, MONDO:0015356.

Allele frequency attached by ClinVar (database versions not stated): gnomAD exomes 0.00002; gnomAD 0.00006 and 0.00007; TOPMed 0.00007.

Submissions (9):

Labcorp Genetics (formerly Invitae), Labcorp
Classification: Likely benign. Last evaluated: 2026-01-18. Review status: criteria provided, single submitter. Criteria: Invitae Variant Classification Sherloc (09022015). Collection method: clinical testing. Allele origin: germline.

PreventionGenetics, part of Exact Sciences
Classification: Likely benign for FH-related condition. Last evaluated: 2025-07-16. Review status: criteria provided, single submitter. Criteria: ACMG Guidelines, 2015. Collection method: clinical testing. Allele origin: germline.
Comment: This variant is classified as likely benign based on ACMG/AMP sequence variant interpretation guidelines (Richards et al. 2015 PMID: 25741868, with internal and published modifications).

Quest Diagnostics Nichols Institute San Juan Capistrano
Classification: Benign. Last evaluated: 2024-12-06. Review status: criteria provided, single submitter. Criteria: Quest Diagnostics criteria. Collection method: clinical testing. Allele origin: unknown.

Myriad Genetics, Inc.
Classification: Benign for Hereditary leiomyomatosis and renal cell cancer. Last evaluated: 2024-10-17. Review status: criteria provided, single submitter. Criteria: Myriad Autosomal Dominant, Autosomal Recessive and X-Linked Classification Criteria (2023). Collection method: clinical testing. Allele origin: unknown.
Comment: This variant is considered benign. This variant is a silent/synonymous amino acid change and it is not expected to impact splicing.

GeneDx
Classification: Likely benign. Last evaluated: 2020-03-23. Review status: criteria provided, single submitter. Criteria: GeneDx Variant Classification Process June 2021. Collection method: clinical testing. Allele origin: germline. Affected: yes.

Illumina Laboratory Services, Illumina
Classification: Uncertain significance for Fumarase deficiency. Last evaluated: 2018-01-12. Review status: criteria provided, single submitter. Criteria: ICSL Variant Classification Criteria 13 December 2019. Collection method: clinical testing. Allele origin: germline.

Illumina Laboratory Services, Illumina
Classification: Uncertain significance for Hereditary leiomyomatosis and renal cell cancer. Last evaluated: 2018-01-12. Review status: criteria provided, single submitter. Criteria: ICSL Variant Classification Criteria 13 December 2019. Collection method: clinical testing. Allele origin: germline.

Ambry Genetics
Classification: Likely benign for Hereditary cancer-predisposing syndrome. Last evaluated: 2017-01-16. Review status: criteria provided, single submitter. Criteria: Ambry Variant Classification Scheme 2023. Collection method: clinical testing. Allele origin: germline.

Natera, Inc.
Classification: Likely benign for Fumarase Deficiency. Last evaluated: 2020-07-28. Review status: no assertion criteria provided. Collection method: clinical testing. Allele origin: germline. Not counted in ClinVar's aggregate classification.

NM_000143.4(FH):c.12A>G (p.Ala4=)

Gene: FH (fumarate hydratase; minus strand). Cytogenetic location: 1q43.
Variant type: single nucleotide variant.
Coding change: c.12A>G on transcript NM_000143.4 (MANE Select); coding-DNA position 12, A replaced by G.
Protein change: p.Ala4=; no amino-acid change (alanine 4 retained).
Molecular consequence: synonymous variant.
Genome position (GRCh38, 1-based): chr1:241,519,711, T>C on the plus strand (A>G on the coding strand, the complement: FH is on the minus strand). VCF-style: chr1-241519711-T-C. GRCh37 (hg19) VCF-style: chr1-241683011-T-C.
Identifiers: ClinVar variation 296877 (VCV000296877.35), dbSNP rs201277370, ClinGen allele CA10610829.
Genomic context (GRCh38, chr1:241,519,711, plus strand): 5'-CGAAGCTAAGGCTGCGGCTGGAGCCCGCACGAGGGGACGCGAGCGCGCGAGGAGCCGAAG[T>C]GCTCGGTACATGGTGCTGAGGGAGCTTGGGTAGAATTTCTGGGCGGCTGTGGCCACGCCT-3'
Protein context (NP_000134.2, residues 1-14): MYR[Ala4=]LRLLARSRPL